The following is an entry in ClinVar:

NM_001367624.2(ZNF469):c.4422G>A (p.Ala1474=)

Gene: ZNF469 (zinc finger protein 469; plus strand). Cytogenetic location: 16q24.2.
Variant type: single nucleotide variant.
Coding change: c.4422G>A on transcript NM_001367624.2 (MANE Select); coding-DNA position 4422, G replaced by A.
Protein change: p.Ala1474=; no amino-acid change (alanine 1474 retained).
Molecular consequence: synonymous variant.
Genome position (GRCh38, 1-based): chr16:88,431,892, G>A. VCF-style: chr16-88431892-G-A. GRCh37 (hg19) VCF-style: chr16-88498300-G-A.
Other names: NM_001127464.1:c.4338G>A.
Identifiers: ClinVar variation 195117 (VCV000195117.40), dbSNP rs368877287, ClinGen allele CA241394.

ClinVar aggregate classification (germline): Conflicting classifications of pathogenicity. Review status: criteria provided, conflicting classifications (1 of 4 stars). 6 submissions from 6 submitters: Uncertain significance (1); Likely benign (5). Last evaluated 2026-01-19.

Conditions:
Cardiovascular phenotype. Identifiers: MedGen CN230736.

Allele frequency attached by ClinVar (database versions not stated): TOPMed 0.00015; ESP Exome Variant Server 0.00022; ExAC 0.00005; gnomAD exomes 0.00007; gnomAD 0.00009 and 0.00014.
gnomAD v4.1: 123 of 1,549,684 alleles (0.0079%); highest among the groups gnomAD compares: African/African-American, 0.014%; no homozygotes.

Submissions (6):

Labcorp Genetics (formerly Invitae), Labcorp
Classification: Likely benign. Last evaluated: 2026-01-19. Review status: criteria provided, single submitter. Criteria: Invitae Variant Classification Sherloc (09022015). Collection method: clinical testing. Allele origin: germline.

Women's Health and Genetics/Laboratory Corporation of America, LabCorp
Classification: Likely benign. Last evaluated: 2025-03-04. Review status: criteria provided, single submitter. Criteria: LabCorp Variant Classification Summary - May 2015. Collection method: clinical testing. Allele origin: germline.

CeGaT Center for Human Genetics Tuebingen
Classification: Likely benign. Last evaluated: 2023-09-01. Review status: criteria provided, single submitter. Criteria: CeGaT Center For Human Genetics Tuebingen Variant Classification Criteria Version 2. Collection method: clinical testing. Allele origin: germline. Affected: yes. Observed: 1 variant allele.
Comment: ZNF469: BP4, BP7

GeneDx
Classification: Likely benign. Last evaluated: 2020-08-28. Review status: criteria provided, single submitter. Criteria: GeneDx Variant Classification Process June 2021. Collection method: clinical testing. Allele origin: germline. Affected: yes.

Ambry Genetics
Classification: Likely benign for Cardiovascular phenotype. Last evaluated: 2019-07-22. Review status: criteria provided, single submitter. Criteria: Ambry Variant Classification Scheme 2023. Collection method: clinical testing. Allele origin: germline.

Eurofins Ntd Llc (ga)
Classification: Uncertain significance. Last evaluated: 2015-03-09. Review status: criteria provided, single submitter. Criteria: EGL Classification Definitions 2015. Collection method: clinical testing. Allele origin: germline. Observed: 1 variant allele, 1 heterozygote.